The following is an entry in ClinVar:

ClinVar aggregate classification (germline): Uncertain significance. Review status: criteria provided, multiple submitters, no conflicts (2 of 4 stars). 2 submissions from 2 submitters: Uncertain significance (2). Last evaluated 2025-08-03.

Conditions:
Cardiovascular phenotype. Identifiers: MedGen CN230736.
Familial hypobetalipoproteinemia 1. Also called: Hypobetalipoproteinemia, normotriglyceridemic; Acanthocytosis with hypobetalipoproteinemia; APOB-Related Familial Hypobetalipoproteinemia. Identifiers: MedGen C4551990, MONDO:0014252, OMIM 615558.
Hypercholesterolemia, autosomal dominant, type B (FHCL2). Also called: Familial Hypercholesterolemia Type B; HYPERCHOLESTEROLEMIA, FAMILIAL, DUE TO LIGAND-DEFECTIVE APOLIPOPROTEIN B; Familial hypercholesterolemia 2; APOB-Related Familial Hypercholesterolemia, Autosomal Dominant; APOLIPOPROTEIN B-100, FAMILIAL DEFECTIVE; APOLIPOPROTEIN B-100, FAMILIAL LIGAND-DEFECTIVE. Identifiers: MedGen C1704417, MONDO:0007751, OMIM 144010.

Allele frequency attached by ClinVar (database versions not stated): gnomAD 0.00001; gnomAD exomes 0.00001 and 0.00003; TOPMed 0.00001.
gnomAD v4.1: 39 of 1,594,192 alleles (0.0024%); highest among the groups gnomAD compares: Non-Finnish European, 0.0033%; no homozygotes.

Submissions (2):

Labcorp Genetics (formerly Invitae), Labcorp
Classification: Uncertain significance for Familial hypobetalipoproteinemia 1; Hypercholesterolemia, autosomal dominant, type B. Last evaluated: 2025-08-03. Review status: criteria provided, single submitter. Criteria: Invitae Variant Classification Sherloc (09022015). Collection method: clinical testing. Allele origin: germline.
Comment: This sequence change replaces threonine, which is neutral and polar, with alanine, which is neutral and non-polar, at codon 2225 of the APOB protein (p.Thr2225Ala). This variant is present in population databases (no rsID available, gnomAD 0.002%). This variant has not been reported in the literature in individuals affected with APOB-related conditions. ClinVar contains an entry for this variant (Variation ID: 920372). Invitae Evidence Modeling of protein sequence and biophysical properties (such as structural, functional, and spatial information, amino acid conservation, physicochemical variation, residue mobility, and thermodynamic stability) indicates that this missense variant is not expected to disrupt APOB protein function with a negative predictive value of 95%. In summary, the available evidence is currently insufficient to determine the role of this variant in disease. Therefore, it has been classified as a Variant of Uncertain Significance.

Ambry Genetics
Classification: Uncertain significance for Cardiovascular phenotype. Last evaluated: 2025-05-07. Review status: criteria provided, single submitter. Criteria: Ambry Variant Classification Scheme 2023. Collection method: clinical testing. Allele origin: germline.

NM_000384.3(APOB):c.6673A>G (p.Thr2225Ala)

Gene: APOB (apolipoprotein B; minus strand). Cytogenetic location: 2p24.1.
Variant type: single nucleotide variant.
Coding change: c.6673A>G on transcript NM_000384.3 (MANE Select); coding-DNA position 6673, A replaced by G.
Protein change: p.Thr2225Ala; replaces threonine 2225 with alanine.
Molecular consequence: missense variant.
Genome position (GRCh38, 1-based): chr2:21,010,195, T>C on the plus strand (A>G on the coding strand, the complement: APOB is on the minus strand). VCF-style: chr2-21010195-T-C. GRCh37 (hg19) VCF-style: chr2-21233067-T-C.
Other names: short protein forms T2225A.
Identifiers: ClinVar variation 920372 (VCV000920372.7), dbSNP rs1037831178, ClinGen allele CA43505031.
Genomic context (GRCh38, chr2:21,010,195, plus strand): 5'-TACTACTTCCACTTTTGTTAAAATCAATATTTTCAATAAACAAATGTAGATCATGGATTG[T>C]TTTTACTAAATTTACACGGATATGATAGTGCTCATCAAGACTTTTTAATTTTTCAATGAT-3'
Protein context (NP_000375.3, residues 2215-2235): HYHIRVNLVK[Thr2225Ala]IHDLHLFIEN